The following is an entry in ClinVar:

ClinVar aggregate classification (germline): Conflicting classifications of pathogenicity. Review status: criteria provided, conflicting classifications (1 of 4 stars). 5 submissions from 5 submitters: Uncertain significance (4); Likely benign (1). Last evaluated 2025-12-02.

Conditions:
Hereditary cancer-predisposing syndrome. Also called: Tumor predisposition; Hereditary Cancer Syndrome; Neoplastic Syndromes, Hereditary; Hereditary neoplastic syndrome. Identifiers: Orphanet 140162, MedGen C0027672, MeSH D009386, MONDO:0015356.
Hereditary breast ovarian cancer syndrome. Also called: Hereditary breast and/or ovarian cancer syndrome; BRCA1- and BRCA2-Associated Hereditary Breast and Ovarian Cancer; Hereditary breast and ovarian cancer; Hereditary breast and ovarian cancer syndrome (HBOC); Breast and ovarian cancer; Hereditary breast and ovarian cancer syndrome. Identifiers: Orphanet 145, MedGen C0677776, MeSH D061325, MONDO:0003582. Disease mechanism: loss of function.
Breast-ovarian cancer, familial, susceptibility to, 2 (BROVCA2). Also called: BRCA2 Hereditary Breast and Ovarian Cancer. Identifiers: Orphanet 145, MedGen C2675520, MONDO:0012933, OMIM 612555. Disease mechanism: loss of function.

Allele frequency attached by ClinVar (database versions not stated): TOPMed below 0.00001; gnomAD 0.00001.
gnomAD v4.1: 1 of 1,613,594 alleles (0.000062%); highest among the groups gnomAD compares: Non-Finnish European, 0.000085%; no homozygotes.

Submissions (5):

Ambry Genetics
Classification: Uncertain significance for Hereditary cancer-predisposing syndrome. Last evaluated: 2025-12-02. Review status: criteria provided, single submitter. Criteria: Ambry Variant Classification Scheme 2023. Collection method: clinical testing. Allele origin: germline.
Comment: The p.V941M variant (also known as c.2821G>A), located in coding exon 10 of the BRCA2 gene, results from a G to A substitution at nucleotide position 2821. The valine at codon 941 is replaced by methionine, an amino acid with highly similar properties. This alteration has been identified in an individual diagnosed with breast and/or ovarian cancer (Santonocito C et al. Cancers (Basel), 2020 May;12:). This amino acid position is not well conserved in available vertebrate species. In addition, this alteration is predicted to be tolerated by in silico analysis. Since supporting evidence is limited at this time, the clinical significance of this alteration remains unclear.

Labcorp Genetics (formerly Invitae), Labcorp
Classification: Uncertain significance for Hereditary breast ovarian cancer syndrome. Last evaluated: 2025-01-28. Review status: criteria provided, single submitter. Criteria: Invitae Variant Classification Sherloc (09022015). Collection method: clinical testing. Allele origin: germline.
Comment: This sequence change replaces valine, which is neutral and non-polar, with methionine, which is neutral and non-polar, at codon 941 of the BRCA2 protein (p.Val941Met). This variant is not present in population databases (gnomAD no frequency). This missense change has been observed in individual(s) with breast and/or ovarian cancer (PMID: 21810505, 32438681). ClinVar contains an entry for this variant (Variation ID: 216242). Invitae Evidence Modeling of protein sequence and biophysical properties (such as structural, functional, and spatial information, amino acid conservation, physicochemical variation, residue mobility, and thermodynamic stability) indicates that this missense variant is not expected to disrupt BRCA2 protein function with a negative predictive value of 95%. In summary, the available evidence is currently insufficient to determine the role of this variant in disease. Therefore, it has been classified as a Variant of Uncertain Significance.

All of Us Research Program, National Institutes of Health
Classification: Uncertain significance for Breast-ovarian cancer, familial, susceptibility to, 2. Last evaluated: 2023-04-27. Review status: criteria provided, single submitter. Criteria: ACMG Guidelines, 2015. Collection method: clinical testing. Allele origin: germline. Inheritance: Autosomal dominant inheritance. Observed: 1 variant allele, 1 heterozygote.
Comment: This study involves interpretation of variants in research participants for the purpose of population health screening. Participant phenotype was not available at the time of variant classification. Additional details can be found in publication PMID: 35346344, PMCID: PMC8962531

University of Washington Department of Laboratory Medicine, University of Washington
Classification: Likely benign for Hereditary cancer-predisposing syndrome. Last evaluated: 2023-03-23. Review status: criteria provided, single submitter. Criteria: Dines et al. (Genet Med. 2020). Collection method: curation. Allele origin: germline.
Comment: Missense variant in a coldspot region where missense variants are very unlikely to be pathogenic (PMID:31911673).

BRCA2 exon 11 coldspot. Reclassification based on statistical prior probability.

Color Diagnostics, LLC DBA Color Health
Classification: Uncertain significance for Hereditary cancer-predisposing syndrome. Last evaluated: 2019-05-31. Review status: criteria provided, single submitter. Criteria: ACMG Guidelines, 2015. Collection method: clinical testing. Allele origin: germline.

Literature cited by the submitters: PubMed 32438681 (cited by Ambry Genetics and Labcorp Genetics (formerly Invitae), Labcorp); PubMed 21810505 (cited by Labcorp Genetics (formerly Invitae), Labcorp).

NM_000059.4(BRCA2):c.2821G>A (p.Val941Met)

Gene: BRCA2 (BRCA2 DNA repair associated; plus strand). Cytogenetic location: 13q13.1.
Variant type: single nucleotide variant.
Coding change: c.2821G>A on transcript NM_000059.4 (MANE Select); coding-DNA position 2821, G replaced by A.
Protein change: p.Val941Met; replaces valine 941 with methionine.
Molecular consequence: missense variant.
Genome position (GRCh38, 1-based): chr13:32,337,176, G>A. VCF-style: chr13-32337176-G-A. GRCh37 (hg19) VCF-style: chr13-32911313-G-A.
Other names: short protein forms V941M.
Identifiers: ClinVar variation 216242 (VCV000216242.17), dbSNP rs863224586, ClinGen allele CA338696.
Genomic context (GRCh38, chr13:32,337,176, plus strand): 5'-ATTTTCAAGAACTCTACCATGGTTTTATATGGAGACACAGGTGATAAACAAGCAACCCAA[G>A]TGTCAATTAAAAAAGATTTGGTTTATGTTCTTGCAGAGGAGAACAAAAATAGTGTAAAGC-3'
Protein context (NP_000050.3, residues 931-951): GDTGDKQATQ[Val941Met]SIKKDLVYVL